The following is an entry in ClinVar:

NM_001447.3(FAT2):c.8707G>C (p.Ala2903Pro)

Genes: FAT2 (FAT atypical cadherin 2; minus strand), SLC36A1 (solute carrier family 36 member 1; plus strand). Cytogenetic location: 5q33.1.
Variant type: single nucleotide variant.
Coding change: c.8707G>C on transcript NM_001447.3 (MANE Select); coding-DNA position 8707, G replaced by C.
Protein change: p.Ala2903Pro; replaces alanine 2903 with proline.
Molecular consequence: missense variant.
Genome position (GRCh38, 1-based): chr5:151,542,420, C>G on the plus strand (G>C on the coding strand, the complement: FAT2 is on the minus strand). VCF-style: chr5-151542420-C-G. GRCh37 (hg19) VCF-style: chr5-150921981-C-G.
Other names: c.8707G>C (NM_001447.2); short protein forms A2903P.
Identifiers: ClinVar variation 2059556 (VCV002059556.7), dbSNP rs79533881, ClinGen allele CA3520768.
Genomic context (GRCh38, chr5:151,542,420, plus strand): 5'-CGCCAGGCTCACTGTTCTCAACCACAGATCCTCTGTACTCTTCAGAAGCAAATCGGGGAG[C>G]ATTGTCATTCTCATCTGTAATGGAGACCTGAACCAGGGCCTGAGAGGATAGCTGGATGGT-3'
Protein context (NP_001438.1, residues 2893-2913): QVSITDENDN[Ala2903Pro]PRFASEEYRG

ClinVar aggregate classification (germline): Conflicting classifications of pathogenicity. Review status: criteria provided, conflicting classifications (1 of 4 stars). 3 submissions from 3 submitters: Uncertain significance (1); Likely benign (1). 1 of the submissions does not count toward it. Last evaluated 2025-08-25.

Conditions:
FAT2-related disorder. Also called: FAT2-related condition.

Allele frequency attached by ClinVar (database versions not stated): ExAC 0.00044; 1000 Genomes Project 30x 0.00078; 1000 Genomes Project 0.00080; gnomAD 0.00134; TOPMed 0.00144; ESP Exome Variant Server 0.00169.
gnomAD v4.1: 399 of 1,614,168 alleles (0.025%); highest among the groups gnomAD compares: African/African-American, 0.48%; 4 homozygotes.

Submissions (3):

Ambry Genetics
Classification: Uncertain significance. Last evaluated: 2025-08-25. Review status: criteria provided, single submitter. Criteria: Ambry Variant Classification Scheme 2023. Collection method: clinical testing. Allele origin: germline.

Labcorp Genetics (formerly Invitae), Labcorp
Classification: Likely benign. Last evaluated: 2025-06-20. Review status: criteria provided, single submitter. Criteria: Invitae Variant Classification Sherloc (09022015). Collection method: clinical testing. Allele origin: germline.

PreventionGenetics, part of Exact Sciences
Classification: Benign for FAT2-related condition. Last evaluated: 2019-06-03. Review status: no assertion criteria provided. Collection method: clinical testing. Allele origin: germline. Not counted in ClinVar's aggregate classification.
Comment: This variant is classified as benign based on ACMG/AMP sequence variant interpretation guidelines (Richards et al. 2015 PMID: 25741868, with internal and published modifications).